The following is an entry in ClinVar:

ClinVar aggregate classification (germline): Uncertain significance (1 of 4 stars; one submission).

Conditions:
Hereditary cancer-predisposing syndrome. Also called: Hereditary Cancer Syndrome; Tumor predisposition; Neoplastic Syndromes, Hereditary; Hereditary neoplastic syndrome. Identifiers: Orphanet 140162, MedGen C0027672, MeSH D009386, MONDO:0015356.

Submission:

Ambry Genetics
Classification: Uncertain significance for Hereditary cancer-predisposing syndrome. Last evaluated: 2026-01-14. Review status: criteria provided, single submitter. Criteria: Ambry Variant Classification Scheme 2023. Collection method: clinical testing. Allele origin: germline.
Comment: The c.6284delT variant, located in coding exon 45 of the POLE gene, results from a deletion of one nucleotide at nucleotide position 6284, causing a translational frameshift with a predicted alternate stop codon (p.L2095Cfs*28). This alteration is expected to result in loss of function by premature protein truncation or nonsense-mediated mRNA decay. Although biallelic loss of function of POLE has been associated with autosomal recessive POLE deficiency, haploinsufficiency of POLE has not been established as a mechanism of disease for POLE-related polymerase proofreading-associated polyposis (PPAP) and POLE-related CMMRD-like syndrome. Based on the supporting evidence, this variant is expected to be causative of POLE deficiency when present along with a second pathogenic variant on the other allele; however, its clinical significance for PPAP and POLE-related CMMRD-like syndrome is unclear.

NM_006231.4(POLE):c.6284del (p.Leu2095fs)

Gene: POLE (DNA polymerase epsilon, catalytic subunit; minus strand). Cytogenetic location: 12q24.33.
Variant type: Deletion.
Coding change: c.6284del on transcript NM_006231.4 (MANE Select); coding-DNA position 6284, one base deleted (T; older notation c.6284delT).
Protein change: p.Leu2095fs; shifts the reading frame from leucine 2095.
Molecular consequence: frameshift variant.
Genome position (GRCh38, 1-based): chr12:132,632,361, A deleted on the plus strand (T on the coding strand, the reverse complement: POLE is on the minus strand); the first of 2 consecutive A bases (chr12:132,632,361-132,632,362); deleting either gives the same sequence. VCF-style (leftmost placement, unchanged base first): chr12-132632360-CA-C. GRCh37 (hg19) VCF-style: chr12-133208946-CA-C.
Other names: short protein forms L2095fs.
Identifiers: ClinVar variation 826294 (VCV000826294.5), dbSNP rs1593707735, ClinGen allele CA915946789.
Genomic context (GRCh38, chr12:132,632,360, plus strand): 5'-CGCTGGCACTCTCACCTTGCACACGTATTTGATGAACTCCAGGGCAGGGTTATTGAGCAG[CA>C]AGTGGGAACCGGGGAGGACAGGAAACATCTCTGAGAGCTCAGTGGAGTTCCGAGAGCCTG-3'